The following is an entry in ClinVar:

NM_004656.4(BAP1):c.237C>A (p.Asn79Lys)

Gene: BAP1 (BRCA1 associated deubiquitinase 1; minus strand). Cytogenetic location: 3p21.1.
Variant type: single nucleotide variant.
Coding change: c.237C>A on transcript NM_004656.4 (MANE Select); coding-DNA position 237, C replaced by A.
Protein change: p.Asn79Lys; replaces asparagine 79 with lysine.
Molecular consequence: missense variant.
Genome position (GRCh38, 1-based): chr3:52,408,492, G>T on the plus strand (C>A on the coding strand, the complement: BAP1 is on the minus strand). VCF-style: chr3-52408492-G-T. GRCh37 (hg19) VCF-style: chr3-52442508-G-T.
Other names: c.237C>A, p.Asn79Lys (NM_001410772.1); short protein forms N79K.
Identifiers: ClinVar variation 3224461 (VCV003224461.1), dbSNP rs2471357162, ClinGen allele CA353112981.

ClinVar aggregate classification (germline): Uncertain significance (1 of 4 stars; one submission).

Conditions:
Hereditary cancer-predisposing syndrome. Also called: Tumor predisposition; Hereditary neoplastic syndrome; Hereditary Cancer Syndrome; Neoplastic Syndromes, Hereditary. Identifiers: Orphanet 140162, MedGen C0027672, MeSH D009386, MONDO:0015356.

Submission:

Ambry Genetics
Classification: Uncertain significance for Hereditary cancer-predisposing syndrome. Last evaluated: 2023-09-25. Review status: criteria provided, single submitter. Criteria: Ambry Variant Classification Scheme 2023. Collection method: clinical testing. Allele origin: germline.
Comment: The p.N79K variant (also known as c.237C>A), located in coding exon 4 of the BAP1 gene, results from a C to A substitution at nucleotide position 237. The asparagine at codon 79 is replaced by lysine, an amino acid with similar properties. This amino acid position is conserved. In addition, this alteration is predicted to be tolerated by in silico analysis. Since supporting evidence is limited at this time, the clinical significance of this alteration remains unclear.